The following is an entry in ClinVar:

NM_007294.4(BRCA1):c.135-396A>G

Gene: BRCA1 (BRCA1 DNA repair associated; minus strand). Cytogenetic location: 17q21.31.
Variant type: single nucleotide variant.
Coding change: c.135-396A>G on transcript NM_007294.4 (MANE Select); 396 bases into the intron before coding-DNA position 135, A replaced by G.
Molecular consequence: intron variant.
Genome position (GRCh38, 1-based): chr17:43,106,929, T>C on the plus strand (A>G on the coding strand, the complement: BRCA1 is on the minus strand). VCF-style: chr17-43106929-T-C. GRCh37 (hg19) VCF-style: chr17-41258946-T-C.
Other names: IVS 3-396A>G; c.-7-396A>G (NM_001408458.1, NM_001407931.1, NM_001407747.1 and 99 more transcripts); c.-218-12069A>G (NM_001407967.1, NM_001407966.1); c.-169-1973A>G (NM_001407959.1, NM_001407962.1, NM_001408512.1 and 4 more transcripts); c.-54-396A>G (NM_001407885.1, NM_001407886.1, NM_001407898.1 and 58 more transcripts); c.135-396A>G (NM_001407686.1, NM_001408397.1, NM_001407632.1 and 167 more transcripts); c.81-1973A>G (NM_001408451.1); c.135-1973A>G (NM_001408475.1, NM_001407875.1, NM_001407659.1 and 21 more transcripts).
Identifiers: ClinVar variation 209493 (VCV000209493.16), dbSNP rs799913, ClinGen allele CA276463.

ClinVar aggregate classification (germline): Benign (3 of 4 stars; one submission).

Conditions:
Breast-ovarian cancer, familial, susceptibility to, 1 (BROVCA1). Also called: BRCA1 Hereditary Breast and Ovarian Cancer; OVARIAN CANCER, SUSCEPTIBILITY TO. Identifiers: Orphanet 145, MedGen C2676676, MONDO:0011450, OMIM 604370. Disease mechanism: loss of function.

Allele frequency attached by ClinVar (database versions not stated): gnomAD 0.11723 and 0.12235; 1000 Genomes Project 0.12680; TOPMed 0.12939; 1000 Genomes Project 30x 0.13273.
gnomAD v4.1: 17,659 of 152,182 alleles (12%); highest among the groups gnomAD compares: African/African-American, 35%; 2,712 homozygotes.

Submission:

Evidence-based Network for the Interpretation of Germline Mutant Alleles (ENIGMA)
Classification: Benign for Breast-ovarian cancer, familial 1. Last evaluated: 2015-01-12. Review status: reviewed by expert panel. Criteria: ENIGMA BRCA1/2 Classification Criteria (2015). Collection method: curation. Allele origin: germline.
Comment: Class 1 not pathogenic based on frequency >1% in an outbred sampleset. Frequency 0.378 (African), 0.01715 (European), derived from 1000 genomes (2012-04-30).